The following is an entry in ClinVar:

NM_172364.5(CACNA2D4):c.1361C>T (p.Thr454Met)

Gene: CACNA2D4 (calcium voltage-gated channel auxiliary subunit alpha2delta 4; minus strand). Cytogenetic location: 12p13.33.
Variant type: single nucleotide variant.
Coding change: c.1361C>T on transcript NM_172364.5 (MANE Select); coding-DNA position 1361, C replaced by T.
Protein change: p.Thr454Met; replaces threonine 454 with methionine.
Molecular consequence: missense variant.
Genome position (GRCh38, 1-based): chr12:1,882,991, G>A on the plus strand (C>T on the coding strand, the complement: CACNA2D4 is on the minus strand). VCF-style: chr12-1882991-G-A. GRCh37 (hg19) VCF-style: chr12-1992157-G-A.
Other names: short protein forms T454M.
Identifiers: ClinVar variation 840476 (VCV000840476.9), dbSNP rs138567080, ClinGen allele CA6387157.
Genomic context (GRCh38, chr12:1,882,991, plus strand): 5'-CTGAGCACGTGCAGGTATTCCATCACGTTCTCCTGGGTGTCCGCCAGCGTTGAGATCTGC[G>A]TGTAGTAGCCTGCGGTGGGGAAGGCCGCGTGGGTGTGGAAGGCAGGGCTTCCCTGGGAAC-3'
Protein context (NP_758952.4, residues 444-464): WIACNNKGYY[Thr454Met]QISTLADTQE

ClinVar aggregate classification (germline): Uncertain significance. Review status: criteria provided, multiple submitters, no conflicts (2 of 4 stars). 2 submissions from 2 submitters: Uncertain significance (2). Last evaluated 2025-09-08.

Allele frequency attached by ClinVar (database versions not stated): gnomAD 0.00001; TOPMed 0.00001; gnomAD exomes 0.00006 and 0.00011; ExAC 0.00013; 1000 Genomes Project 30x 0.00016; 1000 Genomes Project 0.00020.
gnomAD v4.1: 84 of 1,612,798 alleles (0.0052%); highest among the groups gnomAD compares: South Asian, 0.069%; no homozygotes.

Submissions (2):

Labcorp Genetics (formerly Invitae), Labcorp
Classification: Uncertain significance. Last evaluated: 2025-09-08. Review status: criteria provided, single submitter. Criteria: Invitae Variant Classification Sherloc (09022015). Collection method: clinical testing. Allele origin: germline.
Comment: This sequence change replaces threonine, which is neutral and polar, with methionine, which is neutral and non-polar, at codon 454 of the CACNA2D4 protein (p.Thr454Met). This variant is present in population databases (rs138567080, gnomAD 0.07%), and has an allele count higher than expected for a pathogenic variant. This variant has not been reported in the literature in individuals affected with CACNA2D4-related conditions. ClinVar contains an entry for this variant (Variation ID: 840476). An algorithm developed to predict the effect of missense changes on protein structure and function (PolyPhen-2) suggests that this variant is likely to be disruptive. In summary, the available evidence is currently insufficient to determine the role of this variant in disease. Therefore, it has been classified as a Variant of Uncertain Significance.

Blueprint Genetics
Classification: Uncertain significance. Last evaluated: 2024-09-13. Review status: criteria provided, single submitter. Criteria: ACMG Guidelines, 2015. Collection method: clinical testing. Allele origin: germline.